The following is an entry in ClinVar:

ClinVar aggregate classification (germline): Conflicting classifications of pathogenicity. Review status: criteria provided, conflicting classifications (1 of 4 stars). 5 submissions from 5 submitters: Likely pathogenic (1); Uncertain significance (4). Last evaluated 2025-12-04.

Conditions:
VCL-related disorder. Also called: VCL-related condition.
Dilated cardiomyopathy 1W (CMD1W). Identifiers: Orphanet 154, MedGen C1969639, MONDO:0012667, OMIM 611407.

Allele frequency attached by ClinVar (database versions not stated): TOPMed 0.00003; ESP Exome Variant Server 0.00008.
gnomAD v4.1: 13 of 1,613,966 alleles (0.00081%); highest among the groups gnomAD compares: Admixed American, 0.0033%; no homozygotes.

Submissions (5):

PreventionGenetics, part of Exact Sciences
Classification: Uncertain significance for VCL-related condition. Last evaluated: 2025-12-04. Review status: criteria provided, single submitter. Criteria: ACMG Guidelines, 2015. Collection method: clinical testing. Allele origin: germline.
Comment: The VCL c.1225C>T variant is predicted to result in premature protein termination (p.Arg409*). This variant has been reported in an individual with sinus bradycardia and first degree heart block, and another individual with LVNC after pericarditis (Hawley et al 2020. PubMed ID: 32516855). It has also been reported as a maternally inherited variant in a pediatric case of dilated cardiomyopathy (Panaioli et al. 2024. PubMed ID: 38535102). This variant is reported in 0.0029% of alleles in individuals of Latino descent in gnomAD. Loss of function is not an established mechanism of VCL-related disease. Although we suspect that this variant may be pathogenic, at this time, the clinical significance of this variant is uncertain due to the absence of conclusive functional and genetic evidence.

Labcorp Genetics (formerly Invitae), Labcorp
Classification: Uncertain significance for Dilated cardiomyopathy 1W. Last evaluated: 2024-09-17. Review status: criteria provided, single submitter. Criteria: Invitae Variant Classification Sherloc (09022015). Collection method: clinical testing. Allele origin: germline.
Comment: This sequence change creates a premature translational stop signal (p.Arg409*) in the VCL gene. It is expected to result in an absent or disrupted protein product. However, the current clinical and genetic evidence is not sufficient to establish whether loss-of-function variants in VCL cause disease. This variant is present in population databases (rs202005455, gnomAD 0.003%). This variant has not been reported in the literature in individuals affected with VCL-related conditions. ClinVar contains an entry for this variant (Variation ID: 192104). In summary, the available evidence is currently insufficient to determine the role of this variant in disease. Therefore, it has been classified as a Variant of Uncertain Significance.

Women's Health and Genetics/Laboratory Corporation of America, LabCorp
Classification: Uncertain significance. Last evaluated: 2022-09-09. Review status: criteria provided, single submitter. Criteria: LabCorp Variant Classification Summary - May 2015. Collection method: clinical testing. Allele origin: germline.
Comment: Variant summary: VCL c.1225C>T (p.Arg409X) results in a premature termination codon, predicted to cause a truncation of the encoded protein or absence of the protein due to nonsense mediated decay. Evidence currently available does not allow for definitive conclusions whether loss-of-function variants in VCL gene cause disease. The variant allele was found at a frequency of 8e-06 in 251370 control chromosomes (gnomAD). The available data on variant occurrences in the general population are insufficient to allow any conclusion about variant significance. c.1225C>T has been reported in the literature in two heterozygous individuals affected with Cardiomyopathy (Hawley_2020). These report(s) do not provide unequivocal conclusions about association of the variant with Cardiomyopathy. To our knowledge, no experimental evidence demonstrating an impact on protein function has been reported. Two clinical diagnostic laboratories have submitted clinical-significance assessments for this variant to ClinVar after 2014 and classified the variant as likely pathogenic (n=1) and as VUS (n=1). Based on the evidence outlined above, the variant was classified as uncertain significance.

AiLife Diagnostics
Classification: Likely pathogenic. Last evaluated: 2022-02-24. Review status: criteria provided, single submitter. Criteria: ACMG Guidelines, 2015. Collection method: clinical testing. Allele origin: germline. Affected: yes. Observed: 1 variant allele.

Biesecker Lab/Clinical Genomics Section, National Institutes of Health
Classification: Uncertain significance. Last evaluated: 2013-06-24. Review status: criteria provided, single submitter. Criteria: Ng et al. (Circ Cardiovasc Genet. 2013). Collection method: research. Allele origin: unknown. Observed: 1 variant allele. Study: ClinSeq.
Comment: The study set was not selected for affection status in relation to any cancer. Pathogenicity categories were based on literature curation. See Pubmed ID:23861362 for details.

Medical sequencing

Literature cited by the submitters: PubMed 32516855 (cited by Women's Health and Genetics/Laboratory Corporation of America, LabCorp and AiLife Diagnostics).

NM_014000.3(VCL):c.1225C>T (p.Arg409Ter)

Gene: VCL (vinculin; plus strand). Cytogenetic location: 10q22.2.
Variant type: single nucleotide variant.
Coding change: c.1225C>T on transcript NM_014000.3 (MANE Select); coding-DNA position 1225, C replaced by T.
Protein change: p.Arg409Ter; replaces arginine 409 with a stop codon.
Molecular consequence: nonsense.
Genome position (GRCh38, 1-based): chr10:74,090,071, C>T. VCF-style: chr10-74090071-C-T. GRCh37 (hg19) VCF-style: chr10-75849829-C-T.
Other names: c.1225C>T, p.Arg409Ter (NM_003373.4); short protein forms R409*.
Identifiers: ClinVar variation 192104 (VCV000192104.11), dbSNP rs202005455, ClinGen allele CA238361.
Genomic context (GRCh38, chr10:74,090,071, plus strand): 5'-TTCTATGTGTAGAACTGGCTTGCAGATCCAAATGGTGGACCGGAAGGAGAAGAGCAGATT[C>T]GAGGTGCTTTGGCTGAAGCTCGGAAAATAGCAGAATTATGTGATGATCCTAAAGAAAGAG-3'